The following is an entry in ClinVar:

NM_006267.5(RANBP2):c.685C>T (p.Arg229Ter)

Gene: RANBP2 (RAN binding protein 2; plus strand). Cytogenetic location: 2q13.
Variant type: single nucleotide variant.
Coding change: c.685C>T on transcript NM_006267.5 (MANE Select); coding-DNA position 685, C replaced by T.
Protein change: p.Arg229Ter; replaces arginine 229 with a stop codon.
Molecular consequence: nonsense.
Genome position (GRCh38, 1-based): chr2:108,736,152, C>T. VCF-style: chr2-108736152-C-T. GRCh37 (hg19) VCF-style: chr2-109352608-C-T.
Other names: c.685C>T, p.Arg229Ter (NM_001415871.1, NM_001415873.1); c.682C>T, p.Arg228Ter (NM_001415872.1); short protein forms R228*, R229*.
Identifiers: ClinVar variation 2446691 (VCV002446691.3), dbSNP rs1695564496, ClinGen allele CA348041607.
Genomic context (GRCh38, chr2:108,736,152, plus strand): 5'-TCCACAAAATAGGAATATCTGGAGTCTTTACAGTGTTTGGAGTCTGATAAAAGTGACTGG[C>T]GAGCAACCAATACAGACTTACTGCTGGCCTATGCTAATCTTATGCTTCTTACGCTTTCCA-3'

ClinVar aggregate classification (germline): Uncertain significance. Review status: criteria provided, multiple submitters, no conflicts (2 of 4 stars). 2 submissions from 2 submitters: Uncertain significance (2). Last evaluated 2025-12-10.

Allele frequency attached by ClinVar (database versions not stated): TOPMed below 0.00001.

Submissions (2):

Greenwood Genetic Center Diagnostic Laboratories, Greenwood Genetic Center
Classification: Uncertain significance. Last evaluated: 2025-12-10. Review status: criteria provided, single submitter. Criteria: ACMG Guidelines, 2015. Collection method: clinical testing. Allele origin: germline. Affected: yes.
Comment: Gene of Uncertain Significance

GeneDx
Classification: Uncertain significance. Last evaluated: 2025-03-25. Review status: criteria provided, single submitter. Criteria: GeneDx Variant Classification Process June 2021. Collection method: clinical testing. Allele origin: germline. Affected: yes.
Comment: Not observed at significant frequency in large population cohorts (gnomAD); Nonsense variant predicted to result in protein truncation or nonsense mediated decay in a gene or region of a gene for which loss of function is not a well-established mechanism of disease; Has not been previously published as pathogenic or benign to our knowledge